The following is an entry in ClinVar:

NM_001134363.3(RBM20):c.1460T>C (p.Val487Ala)

Gene: RBM20 (RNA binding motif protein 20; plus strand). Cytogenetic location: 10q25.2.
Variant type: single nucleotide variant.
Coding change: c.1460T>C on transcript NM_001134363.3 (MANE Select); coding-DNA position 1460, T replaced by C.
Protein change: p.Val487Ala; replaces valine 487 with alanine.
Molecular consequence: missense variant.
Genome position (GRCh38, 1-based): chr10:110,784,822, T>C. VCF-style: chr10-110784822-T-C. GRCh37 (hg19) VCF-style: chr10-112544580-T-C.
Other names: c.1460T>C (NM_001134363.2); short protein forms V487A.
Identifiers: ClinVar variation 3605637 (VCV003605637.3), dbSNP rs1305658083.

ClinVar aggregate classification (germline): Uncertain significance. Review status: criteria provided, multiple submitters, no conflicts (2 of 4 stars). 2 submissions from 2 submitters: Uncertain significance (2). Last evaluated 2025-04-09.

Conditions:
Dilated cardiomyopathy 1DD (CMD1DD). Identifiers: Orphanet 154, MedGen C2750995, MONDO:0013168, OMIM 613172.
Cardiovascular phenotype. Identifiers: MedGen CN230736.

Submissions (2):

Molecular Diagnostic Laboratory for Inherited Cardiovascular Disease, Montreal Heart Institute
Classification: Uncertain significance for Cardiovascular phenotype. Last evaluated: 2025-04-09. Review status: criteria provided, single submitter. Criteria: ACMG Guidelines, 2015. Collection method: clinical testing. Allele origin: germline. Affected: yes.
Comment: PM2, BP4

Labcorp Genetics (formerly Invitae), Labcorp
Classification: Uncertain significance for Dilated cardiomyopathy 1DD. Last evaluated: 2025-01-22. Review status: criteria provided, single submitter. Criteria: Invitae Variant Classification Sherloc (09022015). Collection method: clinical testing. Allele origin: germline.
Comment: This sequence change replaces valine, which is neutral and non-polar, with alanine, which is neutral and non-polar, at codon 487 of the RBM20 protein (p.Val487Ala). This variant is not present in population databases (gnomAD no frequency). This variant has not been reported in the literature in individuals affected with RBM20-related conditions. Invitae Evidence Modeling of protein sequence and biophysical properties (such as structural, functional, and spatial information, amino acid conservation, physicochemical variation, residue mobility, and thermodynamic stability) indicates that this missense variant is not expected to disrupt RBM20 protein function with a negative predictive value of 95%. In summary, the available evidence is currently insufficient to determine the role of this variant in disease. Therefore, it has been classified as a Variant of Uncertain Significance.